The following is an entry in ClinVar:

ClinVar aggregate classification (germline): Uncertain significance (1 of 4 stars; one submission).

Conditions:
Hypertrophic cardiomyopathy 14. Identifiers: MedGen C2750467, MONDO:0013197, OMIM 613251.

Submission:

Labcorp Genetics (formerly Invitae), Labcorp
Classification: Uncertain significance for Hypertrophic cardiomyopathy 14. Last evaluated: 2018-07-30. Review status: criteria provided, single submitter. Criteria: Invitae Variant Classification Sherloc (09022015). Collection method: clinical testing. Allele origin: germline.
Comment: In summary, the available evidence is currently insufficient to determine the role of this variant in disease. Therefore, it has been classified as a Variant of Uncertain Significance. This sequence change affects a donor splice site in intron 15 of the MYH6 gene. It is expected to disrupt RNA splicing and likely results in an absent or disrupted protein product. This variant is not present in population databases (ExAC no frequency). This variant has not been reported in the literature in individuals with MYH6-related disease. Algorithms developed to predict the effect of sequence changes on RNA splicing suggest that this variant may disrupt the consensus splice site, but this prediction has not been confirmed by published transcriptional studies. The current clinical and genetic evidence is not sufficient to establish whether loss-of-function variants in MYH6 cause disease.

NM_002471.4(MYH6):c.1891+1G>A

Gene: MYH6 (myosin heavy chain 6; minus strand). Cytogenetic location: 14q11.2.
Variant type: single nucleotide variant.
Coding change: c.1891+1G>A on transcript NM_002471.4 (MANE Select); the canonical splice donor site of the intron after coding-DNA position 1891, G replaced by A.
Molecular consequence: splice donor variant.
Genome position (GRCh38, 1-based): chr14:23,398,727, C>T on the plus strand (G>A on the coding strand, the complement: MYH6 is on the minus strand). VCF-style: chr14-23398727-C-T. GRCh37 (hg19) VCF-style: chr14-23867936-C-T.
Identifiers: ClinVar variation 656569 (VCV000656569.7), dbSNP rs1595060385, ClinGen allele CA389019805.
Genomic context (GRCh38, chr14:23,398,727, plus strand): 5'-GGACCCTGGCCCTTTGTGTCTTCAGAAGTCCCCTGGCCCAGTGCAGGGGCTGCCTGCTTA[C>T]CAGTATCGGCAGTTGCGTAGGAGGAGAAGAGAGTGGCCATGAGCTTGAGGGAGGACTTCT-3'